The following is an entry in ClinVar:

ClinVar aggregate classification (germline): Conflicting classifications of pathogenicity. Review status: criteria provided, conflicting classifications (1 of 4 stars). 4 submissions from 4 submitters: Uncertain significance (1); Likely benign (3). Last evaluated 2025-11-22.

Conditions:
Cardiovascular phenotype. Identifiers: MedGen CN230736.
Long QT syndrome (LQTS). Identifiers: MedGen C0023976, MeSH D008133, MONDO:0002442. Disease mechanism: loss of function. Inheritance: Various modes of inheritance.

Allele frequency attached by ClinVar (database versions not stated): gnomAD 0.00001 and 0.00002; ExAC 0.00002; gnomAD exomes 0.00002; TOPMed 0.00002.
gnomAD v4.1: 27 of 1,610,572 alleles (0.0017%); highest among the groups gnomAD compares: East Asian, 0.033%; no homozygotes.

Submissions (4):

Labcorp Genetics (formerly Invitae), Labcorp
Classification: Likely benign for Long QT syndrome. Last evaluated: 2025-11-22. Review status: criteria provided, single submitter. Criteria: Invitae Variant Classification Sherloc (09022015). Collection method: clinical testing. Allele origin: germline.

CeGaT Center for Human Genetics Tuebingen
Classification: Likely benign. Last evaluated: 2023-01-01. Review status: criteria provided, single submitter. Criteria: CeGaT Center For Human Genetics Tuebingen Variant Classification Criteria Version 2. Collection method: clinical testing. Allele origin: germline. Affected: yes. Observed: 1 variant allele.
Comment: CACNA1C: BP4, BP7

Ambry Genetics
Classification: Likely benign for Cardiovascular phenotype. Last evaluated: 2022-06-02. Review status: criteria provided, single submitter. Criteria: Ambry Variant Classification Scheme 2023. Collection method: clinical testing. Allele origin: germline.

Eurofins Ntd Llc (ga)
Classification: Uncertain significance. Last evaluated: 2014-08-20. Review status: criteria provided, single submitter. Criteria: EGL Classification Definitions 2015. Collection method: clinical testing. Allele origin: germline. Observed: 1 variant allele, 1 heterozygote.

NM_000719.7(CACNA1C):c.5772G>C (p.Leu1924=)

Genes: CACNA1C (calcium voltage-gated channel subunit alpha1 C; plus strand), CACNA1C-AS1 (CACNA1C antisense RNA 1; minus strand). Cytogenetic location: 12p13.33.
Variant type: single nucleotide variant.
Coding change: c.5772G>C on transcript NM_000719.7 (MANE Select); coding-DNA position 5772, G replaced by C.
Protein change: p.Leu1924=; no amino-acid change (leucine 1924 retained).
Molecular consequence: synonymous variant.
Genome position (GRCh38, 1-based): chr12:2,686,257, G>C. VCF-style: chr12-2686257-G-C. GRCh37 (hg19) VCF-style: chr12-2795423-G-C.
Other names: c.5916G>C, p.Leu1972= (NM_001129827.2); c.5895G>C, p.Leu1965= (NM_001129829.2); c.5877G>C, p.Leu1959= (NM_001129830.3, NM_001167624.3); c.5856G>C, p.Leu1952= (NM_001129831.2); c.5832G>C, p.Leu1944= (NM_001129832.2); c.5829G>C, p.Leu1943= (NM_001129833.2, NM_001129834.2, NM_001129835.2); c.5823G>C, p.Leu1941= (NM_001129836.2); c.5796G>C, p.Leu1932= (NM_001129837.2, NM_001129838.2); and 6 more.
Identifiers: ClinVar variation 197511 (VCV000197511.42), dbSNP rs757373786, ClinGen allele CA245702.